The following is an entry in ClinVar:

NM_005902.4(SMAD3):c.603C>T (p.Asp201=)

Gene: SMAD3 (SMAD family member 3; plus strand). Cytogenetic location: 15q22.33.
Variant type: single nucleotide variant.
Coding change: c.603C>T on transcript NM_005902.4 (MANE Select); coding-DNA position 603, C replaced by T.
Protein change: p.Asp201=; no amino-acid change (aspartic acid 201 retained).
Molecular consequence: synonymous variant.
Genome position (GRCh38, 1-based): chr15:67,166,849, C>T. VCF-style: chr15-67166849-C-T. GRCh37 (hg19) VCF-style: chr15-67459187-C-T.
Other names: c.288C>T, p.Asp96= (NM_001145102.2); c.471C>T, p.Asp157= (NM_001145103.2); c.18C>T, p.Asp6= (NM_001145104.2).
Identifiers: ClinVar variation 240270 (VCV000240270.22), dbSNP rs774814963, ClinGen allele CA062386.
Genomic context (GRCh38, chr15:67,166,849, plus strand): 5'-CCCTGGCTACCTGAGTGAAGATGGAGAAACCAGTGACCACCAGATGAACCACAGCATGGA[C>T]GCAGGTCAGTCATGCAGGGTCATGCTCTTATTCTTAACTGATTAGCAGCTGGTGGGTTCA-3'
Protein context (NP_005893.1, residues 191-211): TSDHQMNHSM[Asp201=]AGSPNLSPNP

ClinVar aggregate classification (germline): Likely benign. Review status: criteria provided, multiple submitters, no conflicts (2 of 4 stars). 8 submissions from 8 submitters: Likely benign (8). Last evaluated 2026-03-27.

Conditions:
Familial thoracic aortic aneurysm and aortic dissection (TAAD). Also called: Thoracic aortic aneurysms and dissections. Identifiers: Orphanet 91387, MedGen C4707243, MONDO:0019625.
Aneurysm-osteoarthritis syndrome. Also called: SMAD3-Related Loeys-Dietz Syndrome; LOEYS-DIETZ SYNDROME WITH OSTEOARTHRITIS; Loeys-Dietz syndrome, type 1C; ANEURYSMS-OSTEOARTHRITIS SYNDROME. Identifiers: Orphanet 284984, MedGen C3151087, MONDO:0013426, OMIM 613795.

Allele frequency attached by ClinVar (database versions not stated): ExAC below 0.00001; gnomAD 0.00001; gnomAD exomes 0.00002; TOPMed 0.00003.
gnomAD v4.1: 30 of 1,588,884 alleles (0.0019%); highest among the groups gnomAD compares: African/African-American, 0.0054%; no homozygotes.

Submissions (8):

Molecular Diagnostic Laboratory for Inherited Cardiovascular Disease, Montreal Heart Institute
Classification: Likely benign. Last evaluated: 2026-03-27. Review status: criteria provided, single submitter. Criteria: ACMG Guidelines, 2015. Collection method: clinical testing. Allele origin: germline. Affected: no.
Comment: BP7

Labcorp Genetics (formerly Invitae), Labcorp
Classification: Likely benign for Familial thoracic aortic aneurysm and aortic dissection. Last evaluated: 2025-12-19. Review status: criteria provided, single submitter. Criteria: Invitae Variant Classification Sherloc (09022015). Collection method: clinical testing. Allele origin: germline.

Women's Health and Genetics/Laboratory Corporation of America, LabCorp
Classification: Likely benign. Last evaluated: 2024-01-16. Review status: criteria provided, single submitter. Criteria: LabCorp Variant Classification Summary - May 2015. Collection method: clinical testing. Allele origin: germline.

All of Us Research Program, National Institutes of Health
Classification: Likely benign for Aneurysm-osteoarthritis syndrome. Last evaluated: 2023-10-02. Review status: criteria provided, single submitter. Criteria: ACMG Guidelines, 2015. Collection method: clinical testing. Allele origin: germline. Inheritance: Autosomal dominant inheritance. Observed: 2 variant alleles, 2 heterozygotes.
Comment: This study involves interpretation of variants in research participants for the purpose of population health screening. Participant phenotype was not available at the time of variant classification. Additional details can be found in publication PMID: 35346344, PMCID: PMC8962531

Blueprint Genetics
Classification: Likely benign. Last evaluated: 2023-01-09. Review status: criteria provided, single submitter. Criteria: ACMG Guidelines, 2015. Collection method: clinical testing. Allele origin: germline.

Color Diagnostics, LLC DBA Color Health
Classification: Likely benign for Familial thoracic aortic aneurysm and aortic dissection. Last evaluated: 2022-11-06. Review status: criteria provided, single submitter. Criteria: ACMG Guidelines, 2015. Collection method: clinical testing. Allele origin: germline.

CHEO Genetics Diagnostic Laboratory, Children's Hospital of Eastern Ontario
Classification: Likely benign for Familial thoracic aortic aneurysm and aortic dissection. Last evaluated: 2021-12-03. Review status: criteria provided, single submitter. Criteria: ACMG Guidelines, 2015. Collection method: clinical testing. Allele origin: germline.

Ambry Genetics
Classification: Likely benign for Familial thoracic aortic aneurysm and aortic dissection. Last evaluated: 2018-04-09. Review status: criteria provided, single submitter. Criteria: Ambry Variant Classification Scheme 2023. Collection method: clinical testing. Allele origin: germline.